The following is an entry in ClinVar:

NM_003242.6(TGFBR2):c.673T>C (p.Ser225Pro)

Gene: TGFBR2 (transforming growth factor beta receptor 2; plus strand). Cytogenetic location: 3p24.1.
Variant type: single nucleotide variant.
Coding change: c.673T>C on transcript NM_003242.6 (MANE Select); coding-DNA position 673, T replaced by C.
Protein change: p.Ser225Pro; replaces serine 225 with proline.
Molecular consequence: missense variant.
Genome position (GRCh38, 1-based): chr3:30,671,856, T>C. VCF-style: chr3-30671856-T-C. GRCh37 (hg19) VCF-style: chr3-30713348-T-C.
Other names: c.748T>C, p.Ser250Pro (NM_001024847.3); c.856T>C, p.Ser286Pro (NM_001407126.1); c.781T>C, p.Ser261Pro (NM_001407127.1); c.700T>C, p.Ser234Pro (NM_001407128.1); c.676T>C, p.Ser226Pro (NM_001407129.1); c.673T>C, p.Ser225Pro (NM_001407130.1); c.568T>C, p.Ser190Pro (NM_001407132.1, NM_001407133.1, NM_001407134.1 and 2 more transcripts); c.388T>C, p.Ser130Pro (NM_001407137.1); and 1 more; short protein forms S225P, S250P, S105P, S261P, S234P, S286P, S130P, S190P.
Identifiers: ClinVar variation 660358 (VCV000660358.6), dbSNP rs1575157609, ClinGen allele CA351807618.

ClinVar aggregate classification (germline): Uncertain significance. Review status: criteria provided, multiple submitters, no conflicts (2 of 4 stars). 2 submissions from 2 submitters: Uncertain significance (2). Last evaluated 2025-06-17.

Conditions:
Familial thoracic aortic aneurysm and aortic dissection (TAAD). Also called: Thoracic aortic aneurysms and dissections. Identifiers: Orphanet 91387, MedGen C4707243, MONDO:0019625.

Submissions (2):

Color Diagnostics, LLC DBA Color Health
Classification: Uncertain significance for Familial thoracic aortic aneurysm and aortic dissection. Last evaluated: 2025-06-17. Review status: criteria provided, single submitter. Criteria: ACMG Guidelines, 2015. Collection method: clinical testing. Allele origin: germline.
Comment: This missense variant replaces serine with proline at codon 225 of the TGFBR2 protein. Computational prediction is inconclusive regarding the impact of this variant on protein structure and function. To our knowledge, functional studies have not been reported for this variant. This variant has not been reported in individuals affected with TGFBR2-related disorders in the literature. This variant has not been identified in the general population by the Genome Aggregation Database (gnomAD). The available evidence is insufficient to determine the role of this variant in disease conclusively. Therefore, this variant is classified as a Variant of Uncertain Significance.

Labcorp Genetics (formerly Invitae), Labcorp
Classification: Uncertain significance for Familial thoracic aortic aneurysm and aortic dissection. Last evaluated: 2018-10-31. Review status: criteria provided, single submitter. Criteria: Invitae Variant Classification Sherloc (09022015). Collection method: clinical testing. Allele origin: germline.
Comment: In summary, the available evidence is currently insufficient to determine the role of this variant in disease. Therefore, it has been classified as a Variant of Uncertain Significance. Algorithms developed to predict the effect of missense changes on protein structure and function (SIFT, PolyPhen-2, Align-GVGD) all suggest that this variant is likely to be disruptive, but these predictions have not been confirmed by published functional studies and their clinical significance is uncertain. This variant has not been reported in the literature in individuals with TGFBR2-related disease. This variant is not present in population databases (ExAC no frequency). This sequence change replaces serine with proline at codon 225 of the TGFBR2 protein (p.Ser225Pro). The serine residue is highly conserved and there is a moderate physicochemical difference between serine and proline.